The following is an entry in ClinVar:

NM_001037132.4(NRCAM):c.2699A>G (p.Glu900Gly)

Gene: NRCAM (neuronal cell adhesion molecule; minus strand). Cytogenetic location: 7q31.1.
Variant type: single nucleotide variant.
Coding change: c.2699A>G on transcript NM_001037132.4 (MANE Select); coding-DNA position 2699, A replaced by G.
Protein change: p.Glu900Gly; replaces glutamic acid 900 with glycine.
Molecular consequence: missense variant. On other transcripts: non-coding transcript variant (5).
Genome position (GRCh38, 1-based): chr7:108,180,375, T>C on the plus strand (A>G on the coding strand, the complement: NRCAM is on the minus strand). VCF-style: chr7-108180375-T-C. GRCh37 (hg19) VCF-style: chr7-107820819-T-C.
Other names: c.2642A>G, p.Glu881Gly (NM_001371140.1, NM_001371141.1, NM_001371145.1 and 22 more transcripts); c.2354A>G, p.Glu785Gly (NM_001371142.1, NM_001371143.1, NM_001371147.1 and 2 more transcripts); c.2699A>G, p.Glu900Gly (NM_001371144.1, NM_001371149.1, NM_001371161.1 and 10 more transcripts); c.2381A>G, p.Glu794Gly (NM_001371148.1, NM_001371170.1, NM_001371179.1 and 1 more transcripts); c.2669A>G, p.Glu890Gly (NM_001371159.1, NM_001371150.1, NM_001371174.1); c.2681A>G, p.Glu894Gly (NM_001371160.1); c.2696A>G, p.Glu899Gly (NM_001371127.1); c.2651A>G, p.Glu884Gly (NM_001371130.1, NM_001371133.1, NM_001371136.1 and 8 more transcripts); and 3 more; short protein forms E794G, E881G, E884G, E890G, E894G, E899G, E581G, E785G.
Identifiers: ClinVar variation 782027 (VCV000782027.19), dbSNP rs34721383, ClinGen allele CA4438505.

ClinVar aggregate classification (germline): Likely benign. Review status: criteria provided, multiple submitters, no conflicts (2 of 4 stars). 4 submissions from 4 submitters: Likely benign (3). 1 of the submissions does not count toward it. Last evaluated 2026-09-01.

Conditions:
NRCAM-related disorder.

Allele frequency attached by ClinVar (database versions not stated): ExAC 0.00383; ESP Exome Variant Server 0.00392; gnomAD exomes 0.00417 and 0.00659; gnomAD 0.00436 and 0.00437; 1000 Genomes Project 30x 0.00219; 1000 Genomes Project 0.00240; TOPMed 0.00376.
gnomAD v4.1: 10,276 of 1,614,224 alleles (0.64%); highest among the groups gnomAD compares: Non-Finnish European, 0.76%; 48 homozygotes.

Submissions (4):

CeGaT Center for Human Genetics Tuebingen
Classification: Likely benign. Last evaluated: 2026-09-01. Review status: criteria provided, single submitter. Criteria: CeGaT Center For Human Genetics Tuebingen Variant Classification Criteria Version 2. Collection method: clinical testing. Allele origin: germline. Affected: yes. Observed: 10 variant alleles.
Comment: NRCAM: BS2

Labcorp Genetics (formerly Invitae), Labcorp
Classification: Likely benign. Last evaluated: 2018-03-09. Review status: criteria provided, single submitter. Criteria: Invitae Variant Classification Sherloc (09022015). Collection method: clinical testing. Allele origin: germline.

Breakthrough Genomics
Classification: Likely benign. Review status: criteria provided, single submitter. Criteria: ACMG Guidelines, 2015. Collection method: not provided. Allele origin: germline. Inheritance: Autosomal recessive inheritance. Affected: yes.

PreventionGenetics, part of Exact Sciences
Classification: Likely benign for NRCAM-related condition. Last evaluated: 2019-06-12. Review status: no assertion criteria provided. Collection method: clinical testing. Allele origin: germline. Not counted in ClinVar's aggregate classification.
Comment: This variant is classified as likely benign based on ACMG/AMP sequence variant interpretation guidelines (Richards et al. 2015 PMID: 25741868, with internal and published modifications).